The following is an entry in ClinVar:

NM_001377.3(DYNC2H1):c.4916C>T (p.Thr1639Ile)

Gene: DYNC2H1 (dynein cytoplasmic 2 heavy chain 1; plus strand). Cytogenetic location: 11q22.3.
Variant type: single nucleotide variant.
Coding change: c.4916C>T on transcript NM_001377.3 (MANE Select); coding-DNA position 4916, C replaced by T.
Protein change: p.Thr1639Ile; replaces threonine 1639 with isoleucine.
Molecular consequence: missense variant.
Genome position (GRCh38, 1-based): chr11:103,168,908, C>T. VCF-style: chr11-103168908-C-T. GRCh37 (hg19) VCF-style: chr11-103039637-C-T.
Other names: c.4916C>T, p.Thr1639Ile (NM_001080463.2); short protein forms T1639I.
Identifiers: ClinVar variation 1695546 (VCV001695546.2), dbSNP rs200239560, ClinGen allele CA382240553.

ClinVar aggregate classification (germline): Uncertain significance (1 of 4 stars; one submission).

gnomAD v4.1: 1 of 1,612,732 alleles (0.000062%); no homozygotes.

Submission:

GeneDx
Classification: Uncertain significance. Last evaluated: 2022-01-06. Review status: criteria provided, single submitter. Criteria: GeneDx Variant Classification Process June 2021. Collection method: clinical testing. Allele origin: germline. Affected: yes.
Comment: Not observed at significant frequency in large population cohorts (gnomAD); In silico analysis supports that this missense variant does not alter protein structure/function; Has not been previously published as pathogenic or benign to our knowledge